The following is an entry in ClinVar:

ClinVar aggregate classification (germline): Uncertain significance. Review status: criteria provided, multiple submitters, no conflicts (2 of 4 stars). 2 submissions from 2 submitters: Uncertain significance (2). Last evaluated 2022-01-27.

Submissions (2):

Ambry Genetics
Classification: Uncertain significance. Last evaluated: 2022-01-27. Review status: criteria provided, single submitter. Criteria: Ambry Variant Classification Scheme 2023. Collection method: clinical testing. Allele origin: germline.
Comment: The p.S13F variant (also known as c.38C>T), located in coding exon 2 of the RECQL gene, results from a C to T substitution at nucleotide position 38. The serine at codon 13 is replaced by phenylalanine, an amino acid with highly dissimilar properties. This amino acid position is conserved. In addition, the in silico prediction for this alteration is inconclusive. Since supporting evidence is limited at this time, the clinical significance of this alteration remains unclear.

Labcorp Genetics (formerly Invitae), Labcorp
Classification: Uncertain significance. Last evaluated: 2022-01-12. Review status: criteria provided, single submitter. Criteria: Invitae Variant Classification Sherloc (09022015). Collection method: clinical testing. Allele origin: germline.
Comment: This sequence change replaces serine, which is neutral and polar, with phenylalanine, which is neutral and non-polar, at codon 13 of the RECQL protein (p.Ser13Phe). This variant is not present in population databases (gnomAD no frequency). This variant has not been reported in the literature in individuals affected with RECQL-related conditions. Algorithms developed to predict the effect of missense changes on protein structure and function are either unavailable or do not agree on the potential impact of this missense change (SIFT: "Deleterious"; PolyPhen-2: "Possibly Damaging"; Align-GVGD: "Class C0"). In summary, the available evidence is currently insufficient to determine the role of this variant in disease. Therefore, it has been classified as a Variant of Uncertain Significance.

NM_002907.4(RECQL):c.38C>T (p.Ser13Phe)

Gene: RECQL (RecQ like helicase; minus strand). Cytogenetic location: 12p12.1.
Variant type: single nucleotide variant.
Coding change: c.38C>T on transcript NM_002907.4 (MANE Select); coding-DNA position 38, C replaced by T.
Protein change: p.Ser13Phe; replaces serine 13 with phenylalanine.
Molecular consequence: missense variant.
Genome position (GRCh38, 1-based): chr12:21,491,695, G>A on the plus strand (C>T on the coding strand, the complement: RECQL is on the minus strand). VCF-style: chr12-21491695-G-A. GRCh37 (hg19) VCF-style: chr12-21644629-G-A.
Other names: c.38C>T, p.Ser13Phe (NM_032941.3); short protein forms S13F.
Identifiers: ClinVar variation 1735999 (VCV001735999.7), dbSNP rs2540405907, ClinGen allele CA384134705.
Genomic context (GRCh38, chr12:21,491,695, plus strand): 5'-TGTTGCCTTTCCGTAAGTTCTTGAATTTGAATTTCTACTGCATGTAGCTCACTGGTTATA[G>A]AATCCAGTTCCTCAGTTAGAGCTATGGGAGGCAGCGCGGATACAATGATTAGACAGAGTA-3'
Protein context (NP_002898.2, residues 3-23): SVSALTEELD[Ser13Phe]ITSELHAVEI